The following is an entry in ClinVar:

NM_000465.4(BARD1):c.1264G>A (p.Val422Met)

Gene: BARD1 (BRCA1 associated RING domain 1; minus strand). Cytogenetic location: 2q35.
Variant type: single nucleotide variant.
Coding change: c.1264G>A on transcript NM_000465.4 (MANE Select); coding-DNA position 1264, G replaced by A.
Protein change: p.Val422Met; replaces valine 422 with methionine.
Molecular consequence: missense variant. On other transcripts: non-coding transcript variant (2), intron variant (3).
Genome position (GRCh38, 1-based): chr2:214,780,610, C>T on the plus strand (G>A on the coding strand, the complement: BARD1 is on the minus strand). VCF-style: chr2-214780610-C-T. GRCh37 (hg19) VCF-style: chr2-215645334-C-T.
Other names: c.1207G>A, p.Val403Met (NM_001282543.2); c.159-28055G>A (NM_001282548.2); c.215+16451G>A (NM_001282545.2); c.364+11687G>A (NM_001282549.2); short protein forms V422M, V403M.
Identifiers: ClinVar variation 234189 (VCV000234189.12), dbSNP rs876660910, ClinGen allele CA10577816.

ClinVar aggregate classification (germline): Conflicting classifications of pathogenicity. Review status: criteria provided, conflicting classifications (1 of 4 stars). 3 submissions from 3 submitters: Uncertain significance (2); Likely benign (1). Last evaluated 2024-03-06.

Conditions:
Familial cancer of breast. Also called: BREAST CANCER, FAMILIAL; hereditary breast carcinoma; Hereditary breast cancer. Identifiers: Orphanet 227535, MedGen C0346153, MONDO:0016419, OMIM 114480. Disease mechanism: loss of function.
Hereditary cancer-predisposing syndrome. Also called: Neoplastic Syndromes, Hereditary; Tumor predisposition; Hereditary Cancer Syndrome; Hereditary neoplastic syndrome. Identifiers: Orphanet 140162, MedGen C0027672, MeSH D009386, MONDO:0015356.

Submissions (3):

Color Diagnostics, LLC DBA Color Health
Classification: Uncertain significance for Hereditary cancer-predisposing syndrome. Last evaluated: 2024-03-06. Review status: criteria provided, single submitter. Criteria: ACMG Guidelines, 2015. Collection method: clinical testing. Allele origin: germline.
Comment: This missense variant replaces valine with methionine at codon 422 of the BARD1 protein. Computational prediction suggests that this variant may not impact protein structure and function (internally defined REVEL score threshold <= 0.5, PMID: 27666373). To our knowledge, functional studies have not been reported for this variant. This variant has not been reported in individuals affected with hereditary cancer in the literature. This variant has not been identified in the general population by the Genome Aggregation Database (gnomAD). The available evidence is insufficient to determine the role of this variant in disease conclusively. Therefore, this variant is classified as a Variant of Uncertain Significance.

Ambry Genetics
Classification: Likely benign for Hereditary cancer-predisposing syndrome. Last evaluated: 2024-02-26. Review status: criteria provided, single submitter. Criteria: Ambry Variant Classification Scheme 2023. Collection method: clinical testing. Allele origin: germline.

Labcorp Genetics (formerly Invitae), Labcorp
Classification: Uncertain significance for Familial cancer of breast. Last evaluated: 2024-01-21. Review status: criteria provided, single submitter. Criteria: Invitae Variant Classification Sherloc (09022015). Collection method: clinical testing. Allele origin: germline.
Comment: This sequence change replaces valine, which is neutral and non-polar, with methionine, which is neutral and non-polar, at codon 422 of the BARD1 protein (p.Val422Met). This variant is not present in population databases (gnomAD no frequency). This variant has not been reported in the literature in individuals affected with BARD1-related conditions. ClinVar contains an entry for this variant (Variation ID: 234189). Algorithms developed to predict the effect of missense changes on protein structure and function output the following: SIFT: "Not Available"; PolyPhen-2: "Benign"; Align-GVGD: "Not Available". The methionine amino acid residue is found in multiple mammalian species, which suggests that this missense change does not adversely affect protein function. In summary, the available evidence is currently insufficient to determine the role of this variant in disease. Therefore, it has been classified as a Variant of Uncertain Significance.